The following is an entry in ClinVar:

ClinVar aggregate classification (germline): Uncertain significance (1 of 4 stars; one submission).

Conditions:
Hereditary cancer-predisposing syndrome. Also called: Hereditary neoplastic syndrome; Hereditary Cancer Syndrome; Neoplastic Syndromes, Hereditary; Tumor predisposition. Identifiers: Orphanet 140162, MedGen C0027672, MeSH D009386, MONDO:0015356.

Submission:

Ambry Genetics
Classification: Uncertain significance for Hereditary cancer-predisposing syndrome. Last evaluated: 2023-04-13. Review status: criteria provided, single submitter. Criteria: Ambry Variant Classification Scheme 2023. Collection method: clinical testing. Allele origin: germline.
Comment: The p.E423Q variant (also known as c.1267G>C), located in coding exon 13 of the MUTYH gene, results from a G to C substitution at nucleotide position 1267. The glutamic acid at codon 423 is replaced by glutamine, an amino acid with highly similar properties. This amino acid position is conserved. In addition, the in silico prediction for this alteration is inconclusive. Since supporting evidence is limited at this time, the clinical significance of this alteration remains unclear.

NM_001048174.2(MUTYH):c.1183G>C (p.Glu395Gln)

Gene: MUTYH (mutY DNA glycosylase; minus strand). Cytogenetic location: 1p34.1.
Variant type: single nucleotide variant.
Coding change: c.1183G>C on transcript NM_001048174.2 (MANE Select); coding-DNA position 1183, G replaced by C.
Protein change: p.Glu395Gln; replaces glutamic acid 395 with glutamine.
Molecular consequence: missense variant. On other transcripts: non-coding transcript variant (7).
Genome position (GRCh38, 1-based): chr1:45,331,476, C>G on the plus strand (G>C on the coding strand, the complement: MUTYH is on the minus strand). VCF-style: chr1-45331476-C-G. GRCh37 (hg19) VCF-style: chr1-45797148-C-G.
Other names: c.1183G>C, p.Glu395Gln (NM_001048171.2, NM_001048173.2, NM_001293195.2 and 6 more transcripts); c.1186G>C, p.Glu396Gln (NM_001048172.2, NM_001407071.1, NM_001407078.1 and 1 more transcripts); c.1267G>C, p.Glu423Gln (NM_001128425.2); c.1228G>C, p.Glu410Gln (NM_001293190.2); c.1216G>C, p.Glu406Gln (NM_001293191.2, NM_001407069.1, NM_001407077.1); c.907G>C, p.Glu303Gln (NM_001293192.2, NM_001293196.2, NM_001407091.1); c.838G>C, p.Glu280Gln (NM_001350650.2, NM_001350651.2, NM_001407082.1); c.1099G>C, p.Glu367Gln (NM_001407075.1); and 5 more; short protein forms E280Q, E395Q, E409Q, E406Q, E410Q, E303Q, E381Q, E382Q.
Identifiers: ClinVar variation 2567644 (VCV002567644.2), dbSNP rs1060501321, ClinGen allele CA340132929.